The following is an entry in ClinVar:

NM_000257.4(MYH7):c.899T>C (p.Met300Thr)

Gene: MYH7 (myosin heavy chain 7; minus strand). Cytogenetic location: 14q11.2.
Variant type: single nucleotide variant.
Coding change: c.899T>C on transcript NM_000257.4 (MANE Select); coding-DNA position 899, T replaced by C.
Protein change: p.Met300Thr; replaces methionine 300 with threonine.
Molecular consequence: missense variant.
Genome position (GRCh38, 1-based): chr14:23,430,660, A>G on the plus strand (T>C on the coding strand, the complement: MYH7 is on the minus strand). VCF-style: chr14-23430660-A-G. GRCh37 (hg19) VCF-style: chr14-23899869-A-G.
Other names: short protein forms M300T.
Identifiers: ClinVar variation 1006322 (VCV001006322.16), dbSNP rs1892892787, ClinGen allele CA389051795.

ClinVar aggregate classification (germline): Uncertain significance. Review status: criteria provided, multiple submitters, no conflicts (2 of 4 stars). 2 submissions from 2 submitters: Uncertain significance (2). Last evaluated 2022-08-23.

Conditions:
Dilated cardiomyopathy 1S (CMD1S). Identifiers: Orphanet 154, Orphanet 54260, MedGen C1834481, MONDO:0013262, OMIM 613426.
Hypertrophic cardiomyopathy 1 (CMH1). Also called: Familial hypertrophic cardiomyopathy 1; MYH7-Related Familial Hypertrophic Cardiomyopathy. Identifiers: MedGen C3495498, MONDO:0008647, OMIM 192600.
Congenital myopathy with fiber type disproportion. Also called: Congenital fiber-type disproportion; Congenital fiber-type disproportion myopathy. Identifiers: Orphanet 2020, MedGen C0546264, MONDO:0009711. Inheritance: all.
MYH7-related skeletal myopathy. Also called: Myopathy, distal, 1; MYOPATHY, DISTAL, EARLY-ONSET, AUTOSOMAL DOMINANT; MYOPATHY, LATE DISTAL HEREDITARY; Laing distal myopathy; Laing early-onset distal myopathy. Identifiers: Orphanet 59135, MedGen C4552004, MONDO:0008050, OMIM 160500.
Myopathy, myosin storage, autosomal recessive (CMYO7B). Also called: CONGENITAL MYOPATHY 7B, MYOSIN STORAGE, AUTOSOMAL RECESSIVE. Identifiers: Orphanet 636970, MedGen C1850709, MONDO:0009708, OMIM 255160.
Myosin storage myopathy (CMYO7A). Also called: Scapuloperoneal myopathy, MYH7-related; MYOPATHY WITH LYSIS OF TYPE I MYOFIBRILS; MYH7-related late-onset scapuloperoneal muscular dystrophy; Congenital myopathy 7A, myosin storage, autosomal dominant; MYOPATHY, HYALINE BODY, AUTOSOMAL DOMINANT; SCAPULOPERONEAL MUSCULAR DYSTROPHY. Identifiers: Orphanet 437572, Orphanet 636965, MedGen C1842160, MONDO:0008409, OMIM 608358.
Hypertrophic cardiomyopathy. Also called: HYPERTROPHIC MYOCARDIOPATHY. Identifiers: Orphanet 217569, MedGen C0007194, MeSH D002312, MONDO:0005045, HP:0001639.

Allele frequency attached by ClinVar (database versions not stated): gnomAD exomes below 0.00001.
gnomAD v4.1: 1 of 1,613,468 alleles (0.000062%); highest among the groups gnomAD compares: Non-Finnish European, 0.000085%; no homozygotes.

Submissions (2):

Labcorp Genetics (formerly Invitae), Labcorp
Classification: Uncertain significance for Hypertrophic cardiomyopathy. Last evaluated: 2022-08-23. Review status: criteria provided, single submitter. Criteria: Invitae Variant Classification Sherloc (09022015). Collection method: clinical testing. Allele origin: germline.
Comment: This variant is found within a region of MYH7 between codons 181 and 937 that contains the majority of the myosin head domain. Missense variants in this region have been shown to be significantly overrepresented in individuals with hypertrophic cardiomyopathy (PMID: 27532257). In summary, the available evidence is currently insufficient to determine the role of this variant in disease. Therefore, it has been classified as a Variant of Uncertain Significance. Algorithms developed to predict the effect of missense changes on protein structure and function are either unavailable or do not agree on the potential impact of this missense change (SIFT: "Deleterious"; PolyPhen-2: "Benign"; Align-GVGD: "Class C0"). ClinVar contains an entry for this variant (Variation ID: 1006322). This variant has not been reported in the literature in individuals affected with MYH7-related conditions. This variant is not present in population databases (gnomAD no frequency). This sequence change replaces methionine, which is neutral and non-polar, with threonine, which is neutral and polar, at codon 300 of the MYH7 protein (p.Met300Thr).

Fulgent Genetics
Classification: Uncertain significance for MYH7-related skeletal myopathy; Myosin storage myopathy; Hypertrophic cardiomyopathy 1; Myopathy, myosin storage, autosomal recessive; Congenital myopathy 4A, autosomal dominant; Dilated cardiomyopathy 1S. Last evaluated: 2021-09-28. Review status: criteria provided, single submitter. Criteria: ACMG Guidelines, 2015. Collection method: clinical testing. Allele origin: unknown.

Literature cited by the submitters: PubMed 27532257 (cited by Labcorp Genetics (formerly Invitae), Labcorp).